The following is an entry in ClinVar:

ClinVar aggregate classification (germline): Pathogenic (1 of 4 stars; one submission).

Submission:

GeneDx
Classification: Pathogenic. Last evaluated: 2018-04-10. Review status: criteria provided, single submitter. Criteria: GeneDx Variant Classification (06012015). Collection method: clinical testing. Allele origin: germline. Affected: yes.
Comment: The c.1202delG variant in the ARID1B gene has not been reported previously as a pathogenic variant nor as a benign variant, to our knowledge. The c.1202delG variant causes a frameshift starting with codon Glycine 401, changes this amino acid to an Alanine residue, and creates a premature Stop codon at position 29 of the new reading frame, denoted p.Gly401AlafsX29. This variant is predicted to cause loss of normal protein function either through protein truncation or nonsense-mediated mRNA decay. The c.1202delG variant is not observed in large population cohorts (Lek et al., 2016). We interpret c.1202delG as a pathogenic variant.

NM_001374828.1(ARID1B):c.1451del (p.Gly484fs)

Gene: ARID1B (AT-rich interaction domain 1B; plus strand). Cytogenetic location: 6q25.3.
Variant type: Deletion.
Coding change: c.1451del on transcript NM_001374828.1 (MANE Select); coding-DNA position 1451, one base deleted (G; older notation c.1451delG).
Protein change: p.Gly484fs; shifts the reading frame from glycine 484.
Molecular consequence: frameshift variant.
Genome position (GRCh38, 1-based): chr6:156,779,131, G deleted; the last of 6 consecutive G bases (chr6:156,779,126-156,779,131); deleting any one gives the same sequence. VCF-style (leftmost placement, unchanged base first): chr6-156779125-CG-C. GRCh37 (hg19) VCF-style: chr6-157100259-CG-C.
Other names: c.1202delG (NM_020732.3); c.1451del, p.Gly484fs (NM_001371656.1, NM_001374820.1, NM_017519.3); short protein forms G484fs.
Identifiers: ClinVar variation 524062 (VCV000524062.2), dbSNP rs1554248082, ClinGen allele CA645563654.